The following is an entry in ClinVar:

ClinVar aggregate classification (germline): Uncertain significance (1 of 4 stars; one submission).

Conditions:
Aortic aneurysm, familial thoracic 4 (AAT4). Also called: AORTIC ANEURYSM/AORTIC DISSECTION AND PATENT DUCTUS ARTERIOSUS. Identifiers: MedGen C1851504, MONDO:0007568, OMIM 132900.

Submission:

Labcorp Genetics (formerly Invitae), Labcorp
Classification: Uncertain significance for Aortic aneurysm, familial thoracic 4. Last evaluated: 2024-03-16. Review status: criteria provided, single submitter. Criteria: Invitae Variant Classification Sherloc (09022015). Collection method: clinical testing. Allele origin: germline.
Comment: This sequence change replaces arginine, which is basic and polar, with lysine, which is basic and polar, at codon 1731 of the MYH11 protein (p.Arg1731Lys). This variant also falls at the last nucleotide of exon 37, which is part of the consensus splice site for this exon. This variant is not present in population databases (gnomAD no frequency). This variant has not been reported in the literature in individuals affected with MYH11-related conditions. An algorithm developed to predict the effect of missense changes on protein structure and function (PolyPhen-2) suggests that this variant is likely to be tolerated. Variants that disrupt the consensus splice site are a relatively common cause of aberrant splicing (PMID: 17576681, 9536098). Algorithms developed to predict the effect of sequence changes on RNA splicing suggest that this variant may disrupt the consensus splice site. In summary, the available evidence is currently insufficient to determine the role of this variant in disease. Therefore, it has been classified as a Variant of Uncertain Significance.

Literature cited by the submitters: PubMed 17576681; PubMed 9536098.

NM_002474.3(MYH11):c.5171G>A (p.Arg1724Lys)

Genes: MYH11 (myosin heavy chain 11; minus strand), NDE1 (nudE neurodevelopment protein 1; plus strand). Cytogenetic location: 16p13.11.
Variant type: single nucleotide variant.
Coding change: c.5171G>A on transcript NM_002474.3 (MANE Select); coding-DNA position 5171, G replaced by A.
Protein change: p.Arg1724Lys; replaces arginine 1724 with lysine.
Molecular consequence: missense variant. On other transcripts: intron variant (2).
Genome position (GRCh38, 1-based): chr16:15,719,220, C>T on the plus strand (G>A on the coding strand, the complement: MYH11 is on the minus strand). VCF-style: chr16-15719220-C-T. GRCh37 (hg19) VCF-style: chr16-15813077-C-T.
Other names: c.5192G>A, p.Arg1731Lys (NM_001040113.2, NM_001040114.2); c.5171G>A, p.Arg1724Lys (NM_022844.3); c.948-4971C>T (NM_001143979.2, NM_017668.3); short protein forms R1724K, R1731K.
Identifiers: ClinVar variation 3621931 (VCV003621931.2).